The following is an entry in ClinVar:

ClinVar aggregate classification (germline): Conflicting classifications of pathogenicity. Review status: criteria provided, conflicting classifications (1 of 4 stars). 2 submissions from 2 submitters: Uncertain significance (1); Likely benign (1). Last evaluated 2025-09-30.

Conditions:
Hereditary cancer-predisposing syndrome. Also called: Neoplastic Syndromes, Hereditary; Hereditary neoplastic syndrome; Tumor predisposition; Hereditary Cancer Syndrome. Identifiers: Orphanet 140162, MedGen C0027672, MeSH D009386, MONDO:0015356.
Multiple endocrine neoplasia type 4. Also called: MULTIPLE ENDOCRINE NEOPLASIA, TYPE IV. Identifiers: Orphanet 276152, MedGen C1970712, MONDO:0012552, OMIM 610755.

Allele frequency attached by ClinVar (database versions not stated): ExAC below 0.00001; gnomAD exomes below 0.00001; gnomAD 0.00001.
gnomAD v4.1: 10 of 1,612,820 alleles (0.00062%); highest among the groups gnomAD compares: African/African-American, 0.004%; no homozygotes.

Submissions (2):

Labcorp Genetics (formerly Invitae), Labcorp
Classification: Uncertain significance for Multiple endocrine neoplasia type 4. Last evaluated: 2025-09-30. Review status: criteria provided, single submitter. Criteria: Invitae Variant Classification Sherloc (09022015). Collection method: clinical testing. Allele origin: germline.
Comment: This sequence change replaces proline, which is neutral and non-polar, with serine, which is neutral and polar, at codon 122 of the CDKN1B protein (p.Pro122Ser). This variant is present in population databases (rs747217677, gnomAD 0.0009%). This variant has not been reported in the literature in individuals affected with CDKN1B-related conditions. ClinVar contains an entry for this variant (Variation ID: 662939). An algorithm developed to predict the effect of missense changes on protein structure and function (PolyPhen-2) suggests that this variant is likely to be tolerated. In summary, the available evidence is currently insufficient to determine the role of this variant in disease. Therefore, it has been classified as a Variant of Uncertain Significance.

Ambry Genetics
Classification: Likely benign for Hereditary cancer-predisposing syndrome. Last evaluated: 2024-10-12. Review status: criteria provided, single submitter. Criteria: Ambry Variant Classification Scheme 2023. Collection method: clinical testing. Allele origin: germline.

NM_004064.5(CDKN1B):c.364C>T (p.Pro122Ser)

Gene: CDKN1B (cyclin dependent kinase inhibitor 1B; plus strand). Cytogenetic location: 12p13.1.
Variant type: single nucleotide variant.
Coding change: c.364C>T on transcript NM_004064.5 (MANE Select); coding-DNA position 364, C replaced by T.
Protein change: p.Pro122Ser; replaces proline 122 with serine.
Molecular consequence: missense variant.
Genome position (GRCh38, 1-based): chr12:12,718,203, C>T. VCF-style: chr12-12718203-C-T. GRCh37 (hg19) VCF-style: chr12-12871137-C-T.
Other names: short protein forms P122S.
Identifiers: ClinVar variation 662939 (VCV000662939.12), dbSNP rs747217677, ClinGen allele CA6457476.